The following is an entry in ClinVar:

ClinVar aggregate classification (germline): Benign/Likely benign. Review status: criteria provided, multiple submitters, no conflicts (2 of 4 stars). 3 submissions from 3 submitters: Benign (1); Likely benign (2). Last evaluated 2025-10-23.

Conditions:
Auriculocondylar syndrome 2 (ARCND2A). Also called: AURICULOCONDYLAR SYNDROME 2A. Identifiers: Orphanet 137888, MedGen C3553404, MONDO:0013845, OMIM 614669.
PLCB4-related disorder. Also called: PLCB4-related condition.

Allele frequency attached by ClinVar (database versions not stated): 1000 Genomes Project 30x 0.00016; 1000 Genomes Project 0.00020; gnomAD 0.00021 and 0.00022; ESP Exome Variant Server 0.00023; TOPMed 0.00030.
gnomAD v4.1: 718 of 1,541,338 alleles (0.047%); highest among the groups gnomAD compares: Non-Finnish European, 0.06%; no homozygotes.

Submissions (3):

PreventionGenetics, part of Exact Sciences
Classification: Likely benign for PLCB4-related condition. Last evaluated: 2025-10-23. Review status: criteria provided, single submitter. Criteria: ACMG Guidelines, 2015. Collection method: clinical testing. Allele origin: germline.
Comment: This variant is classified as likely benign based on ACMG/AMP sequence variant interpretation guidelines (Richards et al. 2015 PMID: 25741868, with internal and published modifications).

Labcorp Genetics (formerly Invitae), Labcorp
Classification: Likely benign. Last evaluated: 2025-10-08. Review status: criteria provided, single submitter. Criteria: Invitae Variant Classification Sherloc (09022015). Collection method: clinical testing. Allele origin: germline.

Illumina Laboratory Services, Illumina
Classification: Benign for Auriculocondylar syndrome 2. Last evaluated: 2018-01-13. Review status: criteria provided, single submitter. Criteria: ICSL Variant Classification Criteria 13 December 2019. Collection method: clinical testing. Allele origin: germline.
Comment: This variant was observed in the ICSL laboratory as part of a predisposition screen in an ostensibly healthy population. It had not been previously curated by ICSL or reported in the Human Gene Mutation Database (HGMD: prior to June 1st, 2018), and was therefore a candidate for classification through an automated scoring system. Utilizing variant allele frequency, disease prevalence and penetrance estimates, and inheritance mode, an automated score was calculated to assess if this variant is too frequent to cause the disease. Based on the score and internal cut-off values, a variant classified as benign is not then subjected to further curation. The score for this variant resulted in a classification of benign for this disease.

NM_001377142.1(PLCB4):c.2154+9C>G

Gene: PLCB4 (phospholipase C beta 4; plus strand). Cytogenetic location: 20p12.2.
Variant type: single nucleotide variant.
Coding change: c.2154+9C>G on transcript NM_001377142.1 (MANE Select); 9 bases into the intron after coding-DNA position 2154, C replaced by G.
Molecular consequence: intron variant.
Genome position (GRCh38, 1-based): chr20:9,419,918, C>G. VCF-style: chr20-9419918-C-G. GRCh37 (hg19) VCF-style: chr20-9400565-C-G.
Other names: c.2118+9C>G (NM_001377134.2, NM_000933.4, NM_182797.3 and 2 more transcripts); c.2154+9C>G (NM_001377143.1, NM_001172646.2).
Identifiers: ClinVar variation 339574 (VCV000339574.9), dbSNP rs199598049, ClinGen allele CA9761303.